The following is an entry in ClinVar:

NM_016042.4(EXOSC3):c.193G>A (p.Val65Ile)

Gene: EXOSC3 (exosome component 3; minus strand). Cytogenetic location: 9p13.2.
Variant type: single nucleotide variant.
Coding change: c.193G>A on transcript NM_016042.4 (MANE Select); coding-DNA position 193, G replaced by A.
Protein change: p.Val65Ile; replaces valine 65 with isoleucine.
Molecular consequence: missense variant.
Genome position (GRCh38, 1-based): chr9:37,784,852, C>T on the plus strand (G>A on the coding strand, the complement: EXOSC3 is on the minus strand). VCF-style: chr9-37784852-C-T. GRCh37 (hg19) VCF-style: chr9-37784849-C-T.
Other names: c.193G>A, p.Val65Ile (NM_001002269.2); short protein forms V65I.
Identifiers: ClinVar variation 210963 (VCV000210963.24), dbSNP rs62640002, ClinGen allele CA205604.

ClinVar aggregate classification (germline): Conflicting classifications of pathogenicity. Review status: criteria provided, conflicting classifications (1 of 4 stars). 6 submissions from 6 submitters: Uncertain significance (1); Likely benign (4). 1 of the submissions does not count toward it. Last evaluated 2026-01-22.

Conditions:
EXOSC3-related disorder. Also called: EXOSC3-related condition.
Inborn genetic diseases. Identifiers: MedGen C0950123, MeSH D030342.
Pontocerebellar hypoplasia type 1B. Also called: EXOSC3 Pontocerebellar Hypoplasia. Identifiers: Orphanet 2254, MedGen C3553449, MONDO:0013853, OMIM 614678.

Allele frequency attached by ClinVar (database versions not stated): ExAC 0.00073; gnomAD 0.00212 and 0.00231; TOPMed 0.00245; 1000 Genomes Project 0.00300; ESP Exome Variant Server 0.00308; 1000 Genomes Project 30x 0.00359.
gnomAD v4.1: 616 of 1,608,008 alleles (0.038%); highest among the groups gnomAD compares: African/African-American, 0.71%; 3 homozygotes.

Submissions (6):

Labcorp Genetics (formerly Invitae), Labcorp
Classification: Likely benign for Pontocerebellar hypoplasia type 1B. Last evaluated: 2026-01-22. Review status: criteria provided, single submitter. Criteria: Invitae Variant Classification Sherloc (09022015). Collection method: clinical testing. Allele origin: germline.

Ambry Genetics
Classification: Likely benign for Inborn genetic diseases. Last evaluated: 2023-10-27. Review status: criteria provided, single submitter. Criteria: Ambry Variant Classification Scheme 2023. Collection method: clinical testing. Allele origin: germline.

GeneDx
Classification: Likely benign. Last evaluated: 2022-05-05. Review status: criteria provided, single submitter. Criteria: GeneDx Variant Classification Process June 2021. Collection method: clinical testing. Allele origin: germline. Affected: yes.
Comment: See Variant Classification Assertion Criteria.

Illumina Laboratory Services, Illumina
Classification: Likely benign for Pontocerebellar hypoplasia type 1B. Last evaluated: 2018-01-13. Review status: criteria provided, single submitter. Criteria: ICSL Variant Classification Criteria 13 December 2019. Collection method: clinical testing. Allele origin: germline.
Comment: This variant was observed in the ICSL laboratory as part of a predisposition screen in an ostensibly healthy population. It had not been previously curated by ICSL or reported in the Human Gene Mutation Database (HGMD: prior to June 1st, 2018), and was therefore a candidate for classification through an automated scoring system. Utilizing variant allele frequency, disease prevalence and penetrance estimates, and inheritance mode, an automated score was calculated to assess if this variant is too frequent to cause the disease. Based on the score and internal cut-off values, a variant classified as likely benign is not then subjected to further curation. The score for this variant resulted in a classification of likely benign for this disease.

Genetic Services Laboratory, University of Chicago
Classification: Uncertain significance. Last evaluated: 2014-10-08. Review status: criteria provided, single submitter. Criteria: ACMG Guidelines, 2015. Collection method: clinical testing. Allele origin: germline.

PreventionGenetics, part of Exact Sciences
Classification: Likely benign for EXOSC3-related condition. Last evaluated: 2019-11-19. Review status: no assertion criteria provided. Collection method: clinical testing. Allele origin: germline. Not counted in ClinVar's aggregate classification.
Comment: This variant is classified as likely benign based on ACMG/AMP sequence variant interpretation guidelines (Richards et al. 2015 PMID: 25741868, with internal and published modifications).